The following is an entry in ClinVar:

NM_001370259.2(MEN1):c.1537G>A (p.Gly513Arg)

Gene: MEN1 (menin 1; minus strand). Cytogenetic location: 11q13.1.
Variant type: single nucleotide variant.
Coding change: c.1537G>A on transcript NM_001370259.2 (MANE Select); coding-DNA position 1537, G replaced by A.
Protein change: p.Gly513Arg; replaces glycine 513 with arginine.
Molecular consequence: missense variant. On other transcripts: non-coding transcript variant (4).
Genome position (GRCh38, 1-based): chr11:64,804,630, C>T on the plus strand (G>A on the coding strand, the complement: MEN1 is on the minus strand). VCF-style: chr11-64804630-C-T. GRCh37 (hg19) VCF-style: chr11-64572102-C-T.
Other names: c.1552G>A, p.Gly518Arg (NM_000244.4, NM_130800.3, NM_130801.3 and 4 more transcripts); c.1663G>A, p.Gly555Arg (NM_001370251.2, NM_001407142.1, NM_001407143.1 and 1 more transcripts); c.1537G>A, p.Gly513Arg (NM_001370260.2, NM_001370261.2, NM_130799.3 and 2 more transcripts); c.1432G>A, p.Gly478Arg (NM_001370262.2, NM_001370263.2, NM_001407148.1 and 1 more transcripts); c.1558G>A, p.Gly520Arg (NM_001407151.1); c.1372G>A, p.Gly458Arg (NM_001407152.1); c.1678G>A, p.Gly560Arg (NM_001407150.1); short protein forms G518R, G458R, G513R, G555R, G520R, G560R, G478R.
Identifiers: ClinVar variation 4053790 (VCV004053790.1).
Genomic context (GRCh38, chr11:64,804,630, plus strand): 5'-TGCCACCTTCAGGGCCTCGGGCTGTGCCAGCGACAGTCCCAGGAGGCTTCCGGGGGGGTC[C>T]TGACACTGCACCCTGGCCGGTGCCCAGGCCCTTGTCCAGTGCTGGCTTCTTGGGCGGCGG-3'
Protein context (NP_001357188.2, residues 503-523): GLGTGQGAVS[Gly513Arg]PPRKPPGTVA

ClinVar aggregate classification (germline): Uncertain significance (1 of 4 stars; one submission).

Conditions:
Hereditary cancer-predisposing syndrome. Also called: Neoplastic Syndromes, Hereditary; Tumor predisposition; Hereditary neoplastic syndrome; Hereditary Cancer Syndrome. Identifiers: Orphanet 140162, MedGen C0027672, MeSH D009386, MONDO:0015356.

Submission:

Ambry Genetics
Classification: Uncertain significance for Hereditary cancer-predisposing syndrome. Last evaluated: 2025-03-22. Review status: criteria provided, single submitter. Criteria: Ambry Variant Classification Scheme 2023. Collection method: clinical testing. Allele origin: germline.
Comment: The p.G513R variant (also known as c.1537G>A), located in coding exon 9 of the MEN1 gene, results from a G to A substitution at nucleotide position 1537. The glycine at codon 513 is replaced by arginine, an amino acid with dissimilar properties. This amino acid position is conserved. In addition, the in silico prediction for this alteration is inconclusive. Based on the available evidence, the clinical significance of this variant remains unclear.